The following is an entry in ClinVar:

ClinVar aggregate classification (germline): Likely benign. Review status: criteria provided, multiple submitters, no conflicts (2 of 4 stars). 2 submissions from 2 submitters: Likely benign (2). Last evaluated 2019-01-01.

Conditions:
Familial sleep-related hypermotor epilepsy. Also called: Autosomal Dominant Sleep-Related Hypermotor (Hyperkinetic) Epilepsy. Identifiers: Orphanet 98784, MedGen C3696898, MONDO:0000030.

Allele frequency attached by ClinVar (database versions not stated): gnomAD exomes below 0.00001.

Submissions (2):

Labcorp Genetics (formerly Invitae), Labcorp
Classification: Likely benign. Last evaluated: 2019-01-01. Review status: criteria provided, single submitter. Criteria: Invitae Variant Classification Sherloc (09022015). Collection method: clinical testing. Allele origin: germline.

GeneDx
Classification: Likely benign. Last evaluated: 2018-02-01. Review status: criteria provided, single submitter. Criteria: GeneDx Variant Classification (06012015). Collection method: clinical testing. Allele origin: germline. Affected: yes.
Comment: This variant is considered likely benign or benign based on one or more of the following criteria: it is a conservative change, it occurs at a poorly conserved position in the protein, it is predicted to be benign by multiple in silico algorithms, and/or has population frequency not consistent with disease.

NM_000748.3(CHRNB2):c.1242G>C (p.Gly414=)

Gene: CHRNB2 (cholinergic receptor nicotinic beta 2 subunit; plus strand). Cytogenetic location: 1q21.3.
Variant type: single nucleotide variant.
Coding change: c.1242G>C on transcript NM_000748.3 (MANE Select); coding-DNA position 1242, G replaced by C.
Protein change: p.Gly414=; no amino-acid change (glycine 414 retained).
Molecular consequence: synonymous variant.
Genome position (GRCh38, 1-based): chr1:154,572,065, G>C. VCF-style: chr1-154572065-G-C. GRCh37 (hg19) VCF-style: chr1-154544541-G-C.
Identifiers: ClinVar variation 515034 (VCV000515034.7), dbSNP rs1553204404, ClinGen allele CA421231089.